The following is an entry in ClinVar:

NM_172364.5(CACNA2D4):c.290G>T (p.Gly97Val)

Gene: CACNA2D4 (calcium voltage-gated channel auxiliary subunit alpha2delta 4; minus strand). Cytogenetic location: 12p13.33.
Variant type: single nucleotide variant.
Coding change: c.290G>T on transcript NM_172364.5 (MANE Select); coding-DNA position 290, G replaced by T.
Protein change: p.Gly97Val; replaces glycine 97 with valine.
Molecular consequence: missense variant.
Genome position (GRCh38, 1-based): chr12:1,914,873, C>A on the plus strand (G>T on the coding strand, the complement: CACNA2D4 is on the minus strand). VCF-style: chr12-1914873-C-A. GRCh37 (hg19) VCF-style: chr12-2024039-C-A.
Other names: short protein forms G97V.
Identifiers: ClinVar variation 2098934 (VCV002098934.4), dbSNP rs2497363716, ClinGen allele CA383365155.
Genomic context (GRCh38, chr12:1,914,873, plus strand): 5'-CCTCTGCCACCCGGTGGGCTCTCTGGAAGGGGGTGACTGACCTTCTGCAGCAAGAGAGAG[C>A]CTGAGTATTTGGTCACAGTGTTATACAGGTCCCCGCCGAAGGTGTCAGCCCATAGCTTCA-3'
Protein context (NP_758952.4, residues 87-107): DLYNTVTKYS[Gly97Val]SLLLQKKYKD

ClinVar aggregate classification (germline): Uncertain significance (1 of 4 stars; one submission).

Submission:

Labcorp Genetics (formerly Invitae), Labcorp
Classification: Uncertain significance. Last evaluated: 2022-03-11. Review status: criteria provided, single submitter. Criteria: Invitae Variant Classification Sherloc (09022015). Collection method: clinical testing. Allele origin: germline.
Comment: This variant has not been reported in the literature in individuals affected with CACNA2D4-related conditions. This variant is not present in population databases (gnomAD no frequency). This sequence change replaces glycine, which is neutral and non-polar, with valine, which is neutral and non-polar, at codon 97 of the CACNA2D4 protein (p.Gly97Val). In summary, the available evidence is currently insufficient to determine the role of this variant in disease. Therefore, it has been classified as a Variant of Uncertain Significance. Algorithms developed to predict the effect of sequence changes on RNA splicing suggest that this variant may disrupt the consensus splice site. Algorithms developed to predict the effect of missense changes on protein structure and function are either unavailable or do not agree on the potential impact of this missense change (SIFT: "Deleterious"; PolyPhen-2: "Possibly Damaging"; Align-GVGD: "Class C0").